The following is an entry in ClinVar:

NM_006516.4(SLC2A1):c.527T>C (p.Leu176Pro)

Gene: SLC2A1 (solute carrier family 2 member 1; minus strand). Cytogenetic location: 1p34.2.
Variant type: single nucleotide variant.
Coding change: c.527T>C on transcript NM_006516.4 (MANE Select); coding-DNA position 527, T replaced by C.
Protein change: p.Leu176Pro; replaces leucine 176 with proline.
Molecular consequence: missense variant.
Genome position (GRCh38, 1-based): chr1:42,930,025, A>G on the plus strand (T>C on the coding strand, the complement: SLC2A1 is on the minus strand). VCF-style: chr1-42930025-A-G. GRCh37 (hg19) VCF-style: chr1-43395696-A-G.
Other names: short protein forms L176P.
Identifiers: ClinVar variation 1034686 (VCV001034686.9), dbSNP rs1643471410, ClinGen allele CA339958897.
Genomic context (GRCh38, chr1:42,930,025, plus strand): 5'-GGGATGAAGATGATGCTCAGCAGCAGGGGCCACAGGTCCTTGTTGCCCATGATGGAGTCC[A>G]GGCCGAACACCTGGGGGAAGCAGGGGCCGTGAGCGCCTCTGCCCTGACCCCCTTTCCCAC-3'
Protein context (NP_006507.2, residues 166-186): VGILIAQVFG[Leu176Pro]DSIMGNKDLW

ClinVar aggregate classification (germline): Uncertain significance (1 of 4 stars; one submission).

Conditions:
GLUT1 deficiency syndrome 1, autosomal recessive. Identifiers: MedGen C3149117.

Submission:

Labcorp Genetics (formerly Invitae), Labcorp
Classification: Uncertain significance for GLUT1 deficiency syndrome 1, autosomal recessive. Last evaluated: 2025-01-06. Review status: criteria provided, single submitter. Criteria: Invitae Variant Classification Sherloc (09022015). Collection method: clinical testing. Allele origin: germline.
Comment: This sequence change replaces leucine, which is neutral and non-polar, with proline, which is neutral and non-polar, at codon 176 of the SLC2A1 protein (p.Leu176Pro). This variant is not present in population databases (gnomAD no frequency). This variant has not been reported in the literature in individuals affected with SLC2A1-related conditions. ClinVar contains an entry for this variant (Variation ID: 1034686). Invitae Evidence Modeling of protein sequence and biophysical properties (such as structural, functional, and spatial information, amino acid conservation, physicochemical variation, residue mobility, and thermodynamic stability) indicates that this missense variant is expected to disrupt SLC2A1 protein function with a positive predictive value of 95%. In summary, the available evidence is currently insufficient to determine the role of this variant in disease. Therefore, it has been classified as a Variant of Uncertain Significance.